The following is an entry in ClinVar:

NM_001348800.3(ZBTB20):c.620C>T (p.Ser207Leu)

Gene: ZBTB20 (zinc finger and BTB domain containing 20; minus strand). Cytogenetic location: 3q13.31.
Variant type: single nucleotide variant.
Coding change: c.620C>T on transcript NM_001348800.3 (MANE Select); coding-DNA position 620, C replaced by T.
Protein change: p.Ser207Leu; replaces serine 207 with leucine.
Molecular consequence: missense variant.
Genome position (GRCh38, 1-based): chr3:114,351,458, G>A on the plus strand (C>T on the coding strand, the complement: ZBTB20 is on the minus strand). VCF-style: chr3-114351458-G-A. GRCh37 (hg19) VCF-style: chr3-114070305-G-A.
Other names: c.620C>T, p.Ser207Leu (NM_001164342.2, NM_001348803.3, NM_001393393.1 and 1 more transcripts); c.401C>T, p.Ser134Leu (NM_001164343.2, NM_001164344.4, NM_001164345.4 and 9 more transcripts); short protein forms S134L, S207L.
Identifiers: ClinVar variation 3370199 (VCV003370199.1).

ClinVar aggregate classification (germline): Uncertain significance (1 of 4 stars; one submission).

gnomAD v4.1: 1 of 1,613,738 alleles (0.000062%); highest among the groups gnomAD compares: Non-Finnish European, 0.000085%; no homozygotes.

Submission:

GeneDx
Classification: Uncertain significance. Last evaluated: 2023-12-28. Review status: criteria provided, single submitter. Criteria: GeneDx Variant Classification Process June 2021. Collection method: clinical testing. Allele origin: germline. Affected: yes.
Comment: Not observed at significant frequency in large population cohorts (gnomAD); In silico analysis supports that this missense variant does not alter protein structure/function; Has not been previously published as pathogenic or benign to our knowledge